The following is an entry in ClinVar:

ClinVar aggregate classification (germline): Likely benign (1 of 4 stars; one submission).

Allele frequency attached by ClinVar (database versions not stated): gnomAD 0.00001; gnomAD exomes 0.00001; TOPMed 0.00002.

Submission:

CeGaT Center for Human Genetics Tuebingen
Classification: Likely benign. Last evaluated: 2024-03-01. Review status: criteria provided, single submitter. Criteria: CeGaT Center For Human Genetics Tuebingen Variant Classification Criteria Version 2. Collection method: clinical testing. Allele origin: germline. Affected: yes. Observed: 1 variant allele.
Comment: VPS11: BP4, BP7

NM_021729.6(VPS11):c.1875A>G (p.Thr625=)

Gene: VPS11 (VPS11 core subunit of CORVET and HOPS complexes; plus strand). Cytogenetic location: 11q23.3.
Variant type: single nucleotide variant.
Coding change: c.1875A>G on transcript NM_021729.6 (MANE Select); coding-DNA position 1875, A replaced by G.
Protein change: p.Thr625=; no amino-acid change (threonine 625 retained).
Molecular consequence: synonymous variant. On other transcripts: non-coding transcript variant (8).
Genome position (GRCh38, 1-based): chr11:119,078,286, A>G. VCF-style: chr11-119078286-A-G. GRCh37 (hg19) VCF-style: chr11-118948996-A-G.
Other names: c.1845A>G, p.Thr615= (NM_001290185.2); c.1887A>G, p.Thr629= (NM_001378218.1, NM_001378219.1); c.1860A>G, p.Thr620= (NM_001378220.1); c.1857A>G, p.Thr619= (NM_001378221.1).
Identifiers: ClinVar variation 3067430 (VCV003067430.21), dbSNP rs1188468636, ClinGen allele CA477368444.